The following is an entry in ClinVar:

NM_170601.5(SIAE):c.1177C>T (p.Arg393Cys)

Gene: SIAE (sialic acid acetylesterase; minus strand). Cytogenetic location: 11q24.2.
Variant type: single nucleotide variant.
Coding change: c.1177C>T on transcript NM_170601.5 (MANE Select); coding-DNA position 1177, C replaced by T.
Protein change: p.Arg393Cys; replaces arginine 393 with cysteine.
Molecular consequence: missense variant.
Genome position (GRCh38, 1-based): chr11:124,638,685, G>A on the plus strand (C>T on the coding strand, the complement: SIAE is on the minus strand). VCF-style: chr11-124638685-G-A. GRCh37 (hg19) VCF-style: chr11-124508581-G-A.
Other names: c.1072C>T, p.Arg358Cys (NM_001199922.2); short protein forms R358C, R393C.
Identifiers: ClinVar variation 1388459 (VCV001388459.6), dbSNP rs144420048, ClinGen allele CA6341263.

ClinVar aggregate classification (germline): Uncertain significance (1 of 4 stars; one submission).

Allele frequency attached by ClinVar (database versions not stated): ExAC 0.00002; gnomAD exomes 0.00002; gnomAD 0.00007 and 0.00009; TOPMed 0.00008; ESP Exome Variant Server 0.00015.
gnomAD v4.1: 45 of 1,614,016 alleles (0.0028%); highest among the groups gnomAD compares: African/African-American, 0.017%; no homozygotes.

Submission:

Labcorp Genetics (formerly Invitae), Labcorp
Classification: Uncertain significance. Last evaluated: 2023-11-22. Review status: criteria provided, single submitter. Criteria: Invitae Variant Classification Sherloc (09022015). Collection method: clinical testing. Allele origin: germline.
Comment: This sequence change replaces arginine, which is basic and polar, with cysteine, which is neutral and slightly polar, at codon 393 of the SIAE protein (p.Arg393Cys). This variant is present in population databases (rs144420048, gnomAD 0.008%). This variant has not been reported in the literature in individuals affected with SIAE-related conditions. ClinVar contains an entry for this variant (Variation ID: 1388459). An algorithm developed to predict the effect of missense changes on protein structure and function (PolyPhen-2) suggests that this variant is likely to be disruptive. In summary, the available evidence is currently insufficient to determine the role of this variant in disease. Therefore, it has been classified as a Variant of Uncertain Significance.